The following is an entry in ClinVar:

ClinVar aggregate classification (germline): Uncertain significance. Review status: criteria provided, multiple submitters, no conflicts (2 of 4 stars). 2 submissions from 2 submitters: Uncertain significance (2). Last evaluated 2025-11-20.

Conditions:
Inborn genetic diseases. Identifiers: MedGen C0950123, MeSH D030342.

Allele frequency attached by ClinVar (database versions not stated): gnomAD 0.00001; ExAC 0.00002; TOPMed 0.00003.
gnomAD v4.1: 28 of 1,613,866 alleles (0.0017%); highest among the groups gnomAD compares: Non-Finnish European, 0.0022%; no homozygotes.

Submissions (2):

Ambry Genetics
Classification: Uncertain significance for Inborn genetic diseases. Last evaluated: 2025-11-20. Review status: criteria provided, single submitter. Criteria: Ambry Variant Classification Scheme 2023. Collection method: clinical testing. Allele origin: germline.

Labcorp Genetics (formerly Invitae), Labcorp
Classification: Uncertain significance. Last evaluated: 2022-07-11. Review status: criteria provided, single submitter. Criteria: Invitae Variant Classification Sherloc (09022015). Collection method: clinical testing. Allele origin: germline.
Comment: In summary, the available evidence is currently insufficient to determine the role of this variant in disease. Therefore, it has been classified as a Variant of Uncertain Significance. Algorithms developed to predict the effect of missense changes on protein structure and function output the following: SIFT: "Tolerated"; PolyPhen-2: "Benign"; Align-GVGD: "Class C0". The glycine amino acid residue is found in multiple mammalian species, which suggests that this missense change does not adversely affect protein function. This variant has not been reported in the literature in individuals affected with KIAA0753-related conditions. This variant is present in population databases (rs747920319, gnomAD 0.004%). This sequence change replaces aspartic acid, which is acidic and polar, with glycine, which is neutral and non-polar, at codon 645 of the KIAA0753 protein (p.Asp645Gly).

NM_014804.3(KIAA0753):c.1934A>G (p.Asp645Gly)

Gene: KIAA0753 (KIAA0753; minus strand). Cytogenetic location: 17p13.1.
Variant type: single nucleotide variant.
Coding change: c.1934A>G on transcript NM_014804.3 (MANE Select); coding-DNA position 1934, A replaced by G.
Protein change: p.Asp645Gly; replaces aspartic acid 645 with glycine.
Molecular consequence: missense variant. On other transcripts: non-coding transcript variant (3).
Genome position (GRCh38, 1-based): chr17:6,606,948, T>C on the plus strand (A>G on the coding strand, the complement: KIAA0753 is on the minus strand). VCF-style: chr17-6606948-T-C. GRCh37 (hg19) VCF-style: chr17-6510268-T-C.
Other names: c.1037A>G, p.Asp346Gly (NM_001351225.2); c.1934A>G (NM_014804.2); short protein forms D645G, D346G.
Identifiers: ClinVar variation 2163227 (VCV002163227.6), dbSNP rs747920319, ClinGen allele CA8330338.